The following is an entry in ClinVar:

NM_001148.6(ANK2):c.5758G>C (p.Gly1920Arg)

Genes: ANK2 (ankyrin 2; plus strand), LOC126807136 (MED14-independent group 3 enhancer GRCh37_chr4:114274931-114276130; plus strand). Cytogenetic location: 4q26.
Variant type: single nucleotide variant.
Coding change: c.5758G>C on transcript NM_001148.6 (MANE Select); coding-DNA position 5758, G replaced by C.
Protein change: p.Gly1920Arg; replaces glycine 1920 with arginine.
Molecular consequence: missense variant. On other transcripts: intron variant (68).
Genome position (GRCh38, 1-based): chr4:113,354,376, G>C. VCF-style: chr4-113354376-G-C. GRCh37 (hg19) VCF-style: chr4-114275532-G-C.
Other names: c.4165+4127G>C (NM_001354257.2, NM_001386156.1); c.4240+4127G>C (NM_001354249.2, NM_001354266.2, NM_001354276.2 and 2 more transcripts); c.4207+4127G>C (NM_001386146.1, NM_001386150.1, NM_001386149.1 and 1 more transcripts); c.4192+4127G>C (NM_001354274.2, NM_001386154.1); c.4141+4127G>C (NM_001386151.1, NM_001354260.2, NM_001354271.2); c.4042+4127G>C (NM_001386157.1, NM_001354277.2); c.4360+4127G>C (NM_001386161.1, NM_001354244.2, NM_001354256.2); c.4285+4127G>C (NM_001354261.2); and 35 more; short protein forms G1842R, G1959R, G1967R, G1920R, G720R.
Identifiers: ClinVar variation 4769140 (VCV004769140.1).

ClinVar aggregate classification (germline): Uncertain significance (1 of 4 stars; one submission).

Conditions:
Long QT syndrome (LQTS). Identifiers: MedGen C0023976, MeSH D008133, MONDO:0002442. Disease mechanism: loss of function. Inheritance: Various modes of inheritance.

gnomAD v4.1: 3 of 1,613,964 alleles (0.00019%); highest among the groups gnomAD compares: South Asian, 0.0022%; no homozygotes.

Submission:

Labcorp Genetics (formerly Invitae), Labcorp
Classification: Uncertain significance for Long QT syndrome. Last evaluated: 2025-06-27. Review status: criteria provided, single submitter. Criteria: Invitae Variant Classification Sherloc (09022015). Collection method: clinical testing. Allele origin: germline.
Comment: This sequence change replaces glycine, which is neutral and non-polar, with arginine, which is basic and polar, at codon 1920 of the ANK2 protein (p.Gly1920Arg). This variant is not present in population databases (gnomAD no frequency). This missense change has been observed in individual(s) with Brugada syndrome or dilated cardiomyopathy (PMID: 26230511, 37198425). An algorithm developed to predict the effect of missense changes on protein structure and function (PolyPhen-2) suggests that this variant is likely to be tolerated. In summary, the available evidence is currently insufficient to determine the role of this variant in disease. Therefore, it has been classified as a Variant of Uncertain Significance.

Literature cited by the submitters: PubMed 26230511; PubMed 37198425.